The following is an entry in ClinVar:

ClinVar aggregate classification (germline): Uncertain significance (1 of 4 stars; one submission).

gnomAD v4.1: 10 of 1,612,212 alleles (0.00062%); highest among the groups gnomAD compares: East Asian, 0.022%; no homozygotes.

Submission:

Labcorp Genetics (formerly Invitae), Labcorp
Classification: Uncertain significance. Last evaluated: 2024-07-03. Review status: criteria provided, single submitter. Criteria: Invitae Variant Classification Sherloc (09022015). Collection method: clinical testing. Allele origin: germline.
Comment: This sequence change replaces asparagine, which is neutral and polar, with serine, which is neutral and polar, at codon 314 of the DVL1 protein (p.Asn314Ser). This variant is present in population databases (rs772527321, gnomAD 0.01%). This variant has not been reported in the literature in individuals affected with DVL1-related conditions. Advanced modeling of protein sequence and biophysical properties (such as structural, functional, and spatial information, amino acid conservation, physicochemical variation, residue mobility, and thermodynamic stability) performed at Invitae indicates that this missense variant is expected to disrupt DVL1 protein function with a positive predictive value of 80%. In summary, the available evidence is currently insufficient to determine the role of this variant in disease. Therefore, it has been classified as a Variant of Uncertain Significance.

NM_001330311.2(DVL1):c.941A>G (p.Asn314Ser)

Gene: DVL1 (dishevelled segment polarity protein 1; minus strand). Cytogenetic location: 1p36.33.
Variant type: single nucleotide variant.
Coding change: c.941A>G on transcript NM_001330311.2 (MANE Select); coding-DNA position 941, A replaced by G.
Protein change: p.Asn314Ser; replaces asparagine 314 with serine.
Molecular consequence: missense variant.
Genome position (GRCh38, 1-based): chr1:1,339,781, T>C on the plus strand (A>G on the coding strand, the complement: DVL1 is on the minus strand). VCF-style: chr1-1339781-T-C. GRCh37 (hg19) VCF-style: chr1-1275161-T-C.
Other names: c.941A>G, p.Asn314Ser (NM_004421.3); short protein forms N314S.
Identifiers: ClinVar variation 3631307 (VCV003631307.2).